The following is an entry in ClinVar:

NM_007194.4(CHEK2):c.1518A>G (p.Thr506=)

Gene: CHEK2 (checkpoint kinase 2; minus strand). Cytogenetic location: 22q12.1.
Variant type: single nucleotide variant.
Coding change: c.1518A>G on transcript NM_007194.4 (MANE Select); coding-DNA position 1518, A replaced by G.
Protein change: p.Thr506=; no amino-acid change (threonine 506 retained).
Molecular consequence: synonymous variant.
Genome position (GRCh38, 1-based): chr22:28,689,159, T>C on the plus strand (A>G on the coding strand, the complement: CHEK2 is on the minus strand). VCF-style: chr22-28689159-T-C. GRCh37 (hg19) VCF-style: chr22-29085147-T-C.
Other names: c.1647A>G, p.Thr549= (NM_001005735.3); c.855A>G, p.Thr285= (NM_001257387.3); c.1317A>G, p.Thr439= (NM_001349956.3); c.1431A>G, p.Thr477= (NM_145862.3).
Identifiers: ClinVar variation 377661 (VCV000377661.21), dbSNP rs1052262892, ClinGen allele CA16609080.
Genomic context (GRCh38, chr22:28,689,159, plus strand): 5'-CAGACTACATTTAGTGATCATCAGGAATACGAATACCTGGGCTAGAACCTGGGGTAGAGC[T>C]GTGGATTCATTTTCCTCAGACAGAAGATCTTGAAACTTTCTCTTCATGTCTTCATCCTGT-3'
Protein context (NP_009125.1, residues 496-516): QDLLSEENES[Thr506=]ALPQVLAQPS

ClinVar aggregate classification (germline): Benign/Likely benign. Review status: criteria provided, multiple submitters, no conflicts (2 of 4 stars). 6 submissions from 6 submitters: Benign (1); Likely benign (5). Last evaluated 2025-04-30.

Conditions:
Hereditary cancer-predisposing syndrome. Also called: Hereditary neoplastic syndrome; Hereditary Cancer Syndrome; Neoplastic Syndromes, Hereditary; Tumor predisposition. Identifiers: Orphanet 140162, MedGen C0027672, MeSH D009386, MONDO:0015356.
Familial cancer of breast. Also called: BREAST CANCER, FAMILIAL; hereditary breast carcinoma; Hereditary breast cancer. Identifiers: Orphanet 227535, MedGen C0346153, MONDO:0016419, OMIM 114480. Disease mechanism: loss of function.

Allele frequency attached by ClinVar (database versions not stated): gnomAD exomes below 0.00001; gnomAD 0.00001; TOPMed 0.00001.
gnomAD v4.1: 3 of 1,595,234 alleles (0.00019%); highest among the groups gnomAD compares: Non-Finnish European, 0.00025%; no homozygotes.

Submissions (6):

Quest Diagnostics Nichols Institute San Juan Capistrano
Classification: Likely benign. Last evaluated: 2025-04-30. Review status: criteria provided, single submitter. Criteria: Quest Diagnostics criteria. Collection method: clinical testing. Allele origin: unknown.

Labcorp Genetics (formerly Invitae), Labcorp
Classification: Likely benign for Familial cancer of breast. Last evaluated: 2025-04-22. Review status: criteria provided, single submitter. Criteria: Invitae Variant Classification Sherloc (09022015). Collection method: clinical testing. Allele origin: germline.

Myriad Genetics, Inc.
Classification: Benign for Familial cancer of breast. Last evaluated: 2024-10-08. Review status: criteria provided, single submitter. Criteria: Myriad Autosomal Dominant, Autosomal Recessive and X-Linked Classification Criteria (2023). Collection method: clinical testing. Allele origin: unknown.
Comment: This variant is considered benign. This variant is a silent/synonymous amino acid change and it is not expected to impact splicing.

Color Diagnostics, LLC DBA Color Health
Classification: Likely benign for Hereditary cancer-predisposing syndrome. Last evaluated: 2021-04-30. Review status: criteria provided, single submitter. Criteria: ACMG Guidelines, 2015. Collection method: clinical testing. Allele origin: germline.

GeneDx
Classification: Likely benign. Last evaluated: 2021-04-07. Review status: criteria provided, single submitter. Criteria: GeneDx Variant Classification Process June 2021. Collection method: clinical testing. Allele origin: germline. Affected: yes.

Ambry Genetics
Classification: Likely benign for Hereditary cancer-predisposing syndrome. Last evaluated: 2018-12-07. Review status: criteria provided, single submitter. Criteria: Ambry Variant Classification Scheme 2023. Collection method: clinical testing. Allele origin: germline.